The following is an entry in ClinVar:

NM_014967.5(FAN1):c.149T>G (p.Met50Arg)

Gene: FAN1 (FANCD2 and FANCI associated nuclease 1; plus strand). Cytogenetic location: 15q13.3.
Variant type: single nucleotide variant.
Coding change: c.149T>G on transcript NM_014967.5 (MANE Select); coding-DNA position 149, T replaced by G.
Protein change: p.Met50Arg; replaces methionine 50 with arginine.
Molecular consequence: missense variant.
Genome position (GRCh38, 1-based): chr15:30,904,812, T>G. VCF-style: chr15-30904812-T-G. GRCh37 (hg19) VCF-style: chr15-31197015-T-G.
Other names: c.149T>G, p.Met50Arg (NM_001146094.2, NM_001146095.1, NM_001146096.2); short protein forms M50R.
Identifiers: ClinVar variation 708236 (VCV000708236.17), dbSNP rs148404807, ClinGen allele CA7449990.

ClinVar aggregate classification (germline): Conflicting classifications of pathogenicity. Review status: criteria provided, conflicting classifications (1 of 4 stars). 6 submissions from 6 submitters: Uncertain significance (1); Likely benign (2). 3 of the submissions do not count toward it. Last evaluated 2026-01-03.

Conditions:
Hereditary breast ovarian cancer syndrome. Also called: Breast and ovarian cancer; Hereditary breast and/or ovarian cancer syndrome; Hereditary breast and ovarian cancer; Hereditary breast and ovarian cancer syndrome; Hereditary breast and ovarian cancer syndrome (HBOC); BRCA1- and BRCA2-Associated Hereditary Breast and Ovarian Cancer. Identifiers: Orphanet 145, MedGen C0677776, MeSH D061325, MONDO:0003582. Disease mechanism: loss of function.
Hereditary cancer. Identifiers: MedGen C1333600.
FAN1-related disorder. Also called: FAN1-related condition.

Allele frequency attached by ClinVar (database versions not stated): 1000 Genomes Project 0.00180; gnomAD exomes 0.00191 and 0.00204; ExAC 0.00195; TOPMed 0.00204; 1000 Genomes Project 30x 0.00219; ESP Exome Variant Server 0.00269.
gnomAD v4.1: 3,268 of 1,613,604 alleles (0.2%); highest among the groups gnomAD compares: Admixed American, 0.36%; 8 homozygotes.

Submissions (6):

Labcorp Genetics (formerly Invitae), Labcorp
Classification: Likely benign. Last evaluated: 2026-01-03. Review status: criteria provided, single submitter. Criteria: Invitae Variant Classification Sherloc (09022015). Collection method: clinical testing. Allele origin: germline.

Mendelics
Classification: Likely benign for Hereditary cancer. Last evaluated: 2024-01-23. Review status: criteria provided, single submitter. Criteria: ACMG Guidelines, 2015. Collection method: clinical testing. Allele origin: unknown.

Molecular Oncology Research Center, Barretos Cancer Hospital
Classification: Uncertain significance for Hereditary breast ovarian cancer syndrome. Last evaluated: 2020-08-01. Review status: criteria provided, single submitter. Criteria: ACMG Guidelines, 2015. Collection method: research. Allele origin: germline. Affected: yes. Observed: 1 variant allele.

PreventionGenetics, part of Exact Sciences
Classification: Likely benign for FAN1-related condition. Last evaluated: 2022-02-23. Review status: no assertion criteria provided. Collection method: clinical testing. Allele origin: germline. Not counted in ClinVar's aggregate classification.
Comment: This variant is classified as likely benign based on ACMG/AMP sequence variant interpretation guidelines (Richards et al. 2015 PMID: 25741868, with internal and published modifications).

Clinical Genetics DNA and cytogenetics Diagnostics Lab, Erasmus MC, Erasmus Medical Center
Classification: Uncertain significance. Review status: no assertion criteria provided. Collection method: clinical testing. Allele origin: germline. Affected: yes. Study: VKGL Data-share Consensus. Not counted in ClinVar's aggregate classification.

Genome Diagnostics Laboratory, Amsterdam University Medical Center
Classification: Uncertain significance. Review status: no assertion criteria provided. Collection method: clinical testing. Allele origin: germline. Affected: yes. Study: VKGL Data-share Consensus. Not counted in ClinVar's aggregate classification.